The following is an entry in ClinVar:

NM_001267550.2(TTN):c.90844del (p.Thr30282fs)

Genes: TTN (titin; minus strand), TTN-AS1 (TTN antisense RNA 1; plus strand). Cytogenetic location: 2q31.2.
Variant type: Deletion.
Coding change: c.90844del on transcript NM_001267550.2 (MANE Select); coding-DNA position 90844, one base deleted (A; older notation c.90844delA).
Protein change: p.Thr30282fs; shifts the reading frame from threonine 30282.
Molecular consequence: frameshift variant.
Genome position (GRCh38, 1-based): chr2:178,552,056, T deleted on the plus strand (A on the coding strand, the reverse complement: TTN is on the minus strand); the first of 2 consecutive T bases (chr2:178,552,056-178,552,057); deleting either gives the same sequence. VCF-style (leftmost placement, unchanged base first): chr2-178552055-GT-G. GRCh37 (hg19) VCF-style: chr2-179416782-GT-G.
Other names: c.64225del, p.Thr21409fs (NM_133437.4); c.85921del, p.Thr28641fs (NM_001256850.1); c.63649del, p.Thr21217fs (NM_003319.4); c.83140del, p.Thr27714fs (NM_133378.4); c.64024del, p.Thr21342fs (NM_133432.3); short protein forms T21217fs, T21342fs, T21409fs, T27714fs, T28641fs, T30282fs.
Identifiers: ClinVar variation 1066692 (VCV001066692.9), dbSNP rs2154150991, ClinGen allele CA2499215317.

ClinVar aggregate classification (germline): Likely pathogenic (1 of 4 stars; one submission).

Conditions:
Dilated cardiomyopathy 1G (CMD1G). Identifiers: Orphanet 154, MedGen C1858763, MONDO:0011400, OMIM 604145.
Autosomal recessive limb-girdle muscular dystrophy type 2J (LGMDR10). Also called: Limb-girdle muscular dystrophy, type 2J; MUSCULAR DYSTROPHY, LIMB-GIRDLE, AUTOSOMAL RECESSIVE 10. Identifiers: Orphanet 140922, MedGen C1837342, MONDO:0012127, OMIM 608807.

Submission:

Labcorp Genetics (formerly Invitae), Labcorp
Classification: Likely pathogenic for Dilated cardiomyopathy 1G; Autosomal recessive limb-girdle muscular dystrophy type 2J. Last evaluated: 2024-09-21. Review status: criteria provided, single submitter. Criteria: Invitae Variant Classification Sherloc (09022015). Collection method: clinical testing. Allele origin: germline.
Comment: This sequence change creates a premature translational stop signal (p.Thr30282Argfs*8) in the TTN gene. While this is not anticipated to result in nonsense mediated decay, it is expected to create a truncated TTN protein. This variant is not present in population databases (gnomAD no frequency). This premature translational stop signal has been observed in individual(s) with dilated cardiomyopathy (PMID: 32160020; internal data). ClinVar contains an entry for this variant (Variation ID: 1066692). This variant is located in the A band of TTN (PMID: 25589632). Truncating variants in this region are significantly overrepresented in patients affected with dilated cardiomyopathy (PMID: 25589632). Truncating variants in this region have also been reported in individuals affected with autosomal recessive centronuclear myopathy (PMID: 23975875). In summary, the currently available evidence indicates that the variant is pathogenic, but additional data are needed to prove that conclusively. Therefore, this variant has been classified as Likely Pathogenic.

Literature cited by the submitters: PubMed 32160020; PubMed 25589632; PubMed 23975875.